The following is an entry in ClinVar:

NM_001846.4(COL4A2):c.110A>G (p.Lys37Arg)

Gene: COL4A2 (collagen type IV alpha 2 chain; plus strand). Cytogenetic location: 13q34.
Variant type: single nucleotide variant.
Coding change: c.110A>G on transcript NM_001846.4 (MANE Select); coding-DNA position 110, A replaced by G.
Protein change: p.Lys37Arg; replaces lysine 37 with arginine.
Molecular consequence: missense variant.
Genome position (GRCh38, 1-based): chr13:110,357,482, A>G. VCF-style: chr13-110357482-A-G. GRCh37 (hg19) VCF-style: chr13-111009829-A-G.
Other names: short protein forms K37R.
Identifiers: ClinVar variation 4773859 (VCV004773859.1).
Genomic context (GRCh38, chr13:110,357,482, plus strand): 5'-GTTGGCAATGTTTAGGTAACTTTTCTTTGCCTTGTGTTTTATTGTTGCAGGGTGTGAAGA[A>G]GTTTGATGTGCCGTGTGGAGGAAGAGATTGCAGTGGGGGCTGCCAGTGCTACCCTGAGAA-3'
Protein context (NP_001837.2, residues 27-47): LAQSVLAGVK[Lys37Arg]FDVPCGGRDC

ClinVar aggregate classification (germline): Uncertain significance (1 of 4 stars; one submission).

Submission:

Labcorp Genetics (formerly Invitae), Labcorp
Classification: Uncertain significance. Last evaluated: 2025-05-03. Review status: criteria provided, single submitter. Criteria: Invitae Variant Classification Sherloc (09022015). Collection method: clinical testing. Allele origin: germline.
Comment: This sequence change replaces lysine, which is basic and polar, with arginine, which is basic and polar, at codon 37 of the COL4A2 protein (p.Lys37Arg). This variant is not present in population databases (gnomAD no frequency). This variant has not been reported in the literature in individuals affected with COL4A2-related conditions. Invitae Evidence Modeling of protein sequence and biophysical properties (such as structural, functional, and spatial information, amino acid conservation, physicochemical variation, residue mobility, and thermodynamic stability) indicates that this missense variant is not expected to disrupt COL4A2 protein function with a negative predictive value of 95%. In summary, the available evidence is currently insufficient to determine the role of this variant in disease. Therefore, it has been classified as a Variant of Uncertain Significance.